The following is an entry in ClinVar:

NM_001845.6(COL4A1):c.2095+7C>T

Gene: COL4A1 (collagen type IV alpha 1 chain; minus strand). Cytogenetic location: 13q34.
Variant type: single nucleotide variant.
Coding change: c.2095+7C>T on transcript NM_001845.6 (MANE Select); 7 bases into the intron after coding-DNA position 2095, C replaced by T.
Molecular consequence: intron variant.
Genome position (GRCh38, 1-based): chr13:110,182,986, G>A on the plus strand (C>T on the coding strand, the complement: COL4A1 is on the minus strand). VCF-style: chr13-110182986-G-A. GRCh37 (hg19) VCF-style: chr13-110835333-G-A.
Identifiers: ClinVar variation 3045215 (VCV003045215.2), dbSNP rs886049961, ClinGen allele CA2575544096.
Genomic context (GRCh38, chr13:110,182,986, plus strand): 5'-ACCACCTCCTCTTTTCTCACAGAAGTCACAGGTGGACCAAAGGCTCGGGTCCGTCTGGCA[G>A]GGTTACCTTTGGGGCCGGGGGGCCCTGGAAATCCAATGCCTGGCTGGCCCACAGCGCCCT-3'

ClinVar aggregate classification (germline): Likely benign (0 of 4 stars; one submission).

Conditions:
COL4A1-related disorder. Also called: COL4A1-related disorders; COL4A1-related condition. Identifiers: MedGen CN376119, MONDO:0800461.

Submission:

PreventionGenetics, part of Exact Sciences
Classification: Likely benign for COL4A1-related condition. Last evaluated: 2022-04-19. Review status: no assertion criteria provided. Collection method: clinical testing. Allele origin: germline.
Comment: This variant is classified as likely benign based on ACMG/AMP sequence variant interpretation guidelines (Richards et al. 2015 PMID: 25741868, with internal and published modifications).